The following is an entry in ClinVar:

ClinVar aggregate classification (germline): Uncertain significance (1 of 4 stars; one submission).

Conditions:
Familial thoracic aortic aneurysm and aortic dissection (TAAD). Also called: Thoracic aortic aneurysms and dissections. Identifiers: Orphanet 91387, MedGen C4707243, MONDO:0019625.

Allele frequency attached by ClinVar (database versions not stated): gnomAD exomes below 0.00001.
gnomAD v4.1: 5 of 1,614,024 alleles (0.00031%); highest among the groups gnomAD compares: Non-Finnish European, 0.00042%; no homozygotes.

Submission:

Color Diagnostics, LLC DBA Color Health
Classification: Uncertain significance for Familial thoracic aortic aneurysm and aortic dissection. Last evaluated: 2021-01-19. Review status: criteria provided, single submitter. Criteria: ACMG Guidelines, 2015. Collection method: clinical testing. Allele origin: germline.
Comment: This missense variant replaces serine with arginine at codon 152 of the FBN1 protein. Computational prediction suggests that this variant may not impact protein structure and function (internally defined REVEL score threshold <= 0.5, PMID: 27666373). To our knowledge, functional studies have not been reported for this variant. This variant has been reported in one individual with Marfan syndrome (PMID: 27582083). The individual has a co-variant in FBN1 p.Cys1589Phe (ClinVar variation ID: 549246). This variant has not been identified in the general population by the Genome Aggregation Database (gnomAD). The available evidence is insufficient to determine the role of this variant in disease conclusively. Therefore, this variant is classified as a Variant of Uncertain Significance.

NM_000138.5(FBN1):c.456T>A (p.Ser152Arg)

Gene: FBN1 (fibrillin 1; minus strand). Cytogenetic location: 15q21.1.
Variant type: single nucleotide variant.
Coding change: c.456T>A on transcript NM_000138.5 (MANE Select); coding-DNA position 456, T replaced by A.
Protein change: p.Ser152Arg; replaces serine 152 with arginine.
Molecular consequence: missense variant.
Genome position (GRCh38, 1-based): chr15:48,596,365, A>T on the plus strand (T>A on the coding strand, the complement: FBN1 is on the minus strand). VCF-style: chr15-48596365-A-T. GRCh37 (hg19) VCF-style: chr15-48888562-A-T.
Other names: short protein forms S152R.
Identifiers: ClinVar variation 1171074 (VCV001171074.2), dbSNP rs2044516014, ClinGen allele CA392446389.